The following is an entry in ClinVar:

ClinVar aggregate classification (germline): Benign. Review status: criteria provided, multiple submitters, no conflicts (2 of 4 stars). 12 submissions from 11 submitters: Benign (9). 3 of the submissions do not count toward it. Last evaluated 2026-02-04.

Conditions:
Wiskott-Aldrich syndrome (WAS). Also called: Wiskott-aldrich syndrome, somatic; WISKOTT-ALDRICH SYNDROME 1; ALDRICH SYNDROME; IMMUNODEFICIENCY 2. Identifiers: Orphanet 906, MedGen C0043194, MONDO:0010518, OMIM 301000.
Werner syndrome (WRN). Identifiers: Orphanet 902, MedGen C0043119, MONDO:0010196, OMIM 277700.

Allele frequency attached by ClinVar (database versions not stated): 1000 Genomes Project 30x 0.36743; 1000 Genomes Project 0.37500; TOPMed 0.37896; ESP Exome Variant Server 0.38659; gnomAD 0.39769 and 0.40457; gnomAD exomes 0.47037; ExAC 0.47043.
gnomAD v4.1: 765,481 of 1,613,698 alleles (47%); highest among the groups gnomAD compares: South Asian, 59%; 186,689 homozygotes.

Submissions (12):

Labcorp Genetics (formerly Invitae), Labcorp
Classification: Benign for Werner syndrome. Last evaluated: 2026-02-04. Review status: criteria provided, single submitter. Criteria: Invitae Variant Classification Sherloc (09022015). Collection method: clinical testing. Allele origin: germline.

KCCC/NGS Laboratory, Kuwait Cancer Control Center
Classification: Benign for Werner syndrome. Last evaluated: 2025-02-01. Review status: criteria provided, single submitter. Criteria: ACMG Guidelines, 2015. Collection method: clinical testing. Allele origin: germline. Affected: no.

Blueprint Genetics
Classification: Benign. Last evaluated: 2024-11-27. Review status: criteria provided, single submitter. Criteria: ACMG Guidelines, 2015. Collection method: clinical testing. Allele origin: germline.

KCCC/NGS Laboratory, Kuwait Cancer Control Center
Classification: Benign for Wiskott-Aldrich syndrome. Last evaluated: 2023-07-07. Review status: criteria provided, single submitter. Criteria: ACMG Guidelines, 2015. Collection method: clinical testing. Allele origin: germline. Affected: yes.

Mayo Clinic Laboratories, Mayo Clinic
Classification: Benign. Last evaluated: 2022-05-01. Review status: criteria provided, single submitter. Criteria: ACMG Guidelines, 2015. Collection method: clinical testing. Allele origin: germline. Observed: 272 variant alleles.

Genome-Nilou Lab
Classification: Benign for Werner syndrome. Last evaluated: 2021-12-05. Review status: criteria provided, single submitter. Criteria: ACMG Guidelines, 2015. Collection method: clinical testing. Allele origin: germline. Affected: no.

GeneDx
Classification: Benign. Last evaluated: 2018-03-24. Review status: criteria provided, single submitter. Criteria: GeneDx Variant Classification (06012015). Collection method: clinical testing. Allele origin: germline. Affected: yes.
Comment: This variant is considered likely benign or benign based on one or more of the following criteria: it is a conservative change, it occurs at a poorly conserved position in the protein, it is predicted to be benign by multiple in silico algorithms, and/or has population frequency not consistent with disease.

Breakthrough Genomics
Classification: Benign. Review status: criteria provided, single submitter. Criteria: ACMG Guidelines, 2015. Collection method: not provided. Allele origin: germline. Inheritance: Autosomal recessive inheritance. Affected: yes.

PreventionGenetics, part of Exact Sciences
Classification: Benign. Review status: criteria provided, single submitter. Criteria: ACMG Guidelines, 2015. Collection method: clinical testing. Allele origin: germline.

Diagnostic Laboratory, Department of Genetics, University Medical Center Groningen
Classification: Benign. Review status: no assertion criteria provided. Collection method: clinical testing. Allele origin: germline. Affected: yes. Study: VKGL Data-share Consensus. Not counted in ClinVar's aggregate classification.

Genetic Services Laboratory, University of Chicago
Classification: Likely benign for AllHighlyPenetrant. Review status: no assertion criteria provided. Collection method: clinical testing. Allele origin: germline. Inheritance: Autosomal recessive inheritance. Not counted in ClinVar's aggregate classification.
Comment: Likely benign based on allele frequency in 1000 Genomes Project or ESP global frequency and its presence in a patient with a rare or unrelated disease phenotype. NOT Sanger confirmed.

Joint Genome Diagnostic Labs from Nijmegen and Maastricht, Radboudumc and MUMC+
Classification: Benign. Review status: no assertion criteria provided. Collection method: clinical testing. Allele origin: germline. Affected: yes. Study: VKGL Data-share Consensus. Not counted in ClinVar's aggregate classification.

NM_000553.6(WRN):c.3138+6C>T

Gene: WRN (WRN RecQ like helicase; plus strand). Cytogenetic location: 8p12.
Variant type: single nucleotide variant.
Coding change: c.3138+6C>T on transcript NM_000553.6 (MANE Select); 6 bases into the intron after coding-DNA position 3138, C replaced by T.
Molecular consequence: intron variant.
Genome position (GRCh38, 1-based): chr8:31,141,606, C>T. VCF-style: chr8-31141606-C-T. GRCh37 (hg19) VCF-style: chr8-30999122-C-T.
Other names: p.?.
Identifiers: ClinVar variation 130754 (VCV000130754.28), dbSNP rs3024239, ClinGen allele CA156009.
Genomic context (GRCh38, chr8:31,141,606, plus strand): 5'-GGTAGAAGTTTCTCGGTATAACAAATTTATGAAGATTTGCGCCCTTACGAAAAAGGTAAA[C>T]GGTGTAGGAGTCTGCCTGTTTGACTTAATTTTGTTTCCCACTCCACATTAAAAGATCCTT-3'